The following is an entry in ClinVar:

ClinVar aggregate classification (germline): Uncertain significance (1 of 4 stars; one submission).

Submission:

Labcorp Genetics (formerly Invitae), Labcorp
Classification: Uncertain significance. Last evaluated: 2025-06-12. Review status: criteria provided, single submitter. Criteria: Invitae Variant Classification Sherloc (09022015). Collection method: clinical testing. Allele origin: germline.
Comment: This variant, c.2775_2777del, results in the deletion of 1 amino acid(s) of the TNS2 protein (p.Ser926del), but otherwise preserves the integrity of the reading frame. This variant is present in population databases (rs774294797, gnomAD 0.007%). This variant has not been reported in the literature in individuals affected with TNS2-related conditions. Experimental studies and prediction algorithms are not available or were not evaluated, and the functional significance of this variant is currently unknown. In summary, the available evidence is currently insufficient to determine the role of this variant in disease. Therefore, it has been classified as a Variant of Uncertain Significance.

NM_170754.4(TNS2):c.2742CAG[1] (p.Ser916del)

Gene: TNS2 (tensin 2; plus strand). Cytogenetic location: 12q13.13.
Variant type: Microsatellite.
Coding change: c.2742CAG[1] on transcript NM_170754.4 (MANE Select); one copy of the 3-base unit CAG starting at c.2742; the reference has two copies in a row; one copy, 3 bases deleted.
Protein change: p.Ser916del; deletes serine 916.
Molecular consequence: inframe deletion.
Genome position (GRCh38, 1-based): chr12:53,060,532-53,060,534, CAG deleted; deleting any 3 consecutive bases within chr12:53,060,529-53,060,534 gives the same sequence; the position shown is the placement nearest the transcript's 3' end. VCF-style (leftmost placement, unchanged base first): chr12-53060528-CCAG-C. GRCh37 (hg19) VCF-style: chr12-53454312-CCAG-C.
Other names: c.2742CAG[1], p.Ser916del (NM_001416202.1); c.2700CAG[1], p.Ser902del (NM_001416203.1); c.2769CAG[1], p.Ser925del (NM_001416204.1); c.2673CAG[1], p.Ser893del (NM_015319.3); c.2370CAG[1], p.Ser792del (NM_198316.2); short protein forms S902del, S916del, S792del, S925del, S893del.
Identifiers: ClinVar variation 2877385 (VCV002877385.3), dbSNP rs774294797, ClinGen allele CA6592669.